The following is an entry in ClinVar:

ClinVar aggregate classification (germline): Uncertain significance. Review status: criteria provided, multiple submitters, no conflicts (2 of 4 stars). 2 submissions from 2 submitters: Uncertain significance (2). Last evaluated 2025-08-28.

Conditions:
Inborn genetic diseases. Identifiers: MedGen C0950123, MeSH D030342.

Allele frequency attached by ClinVar (database versions not stated): TOPMed 0.00002; gnomAD 0.00005; ExAC 0.00021.

Submissions (2):

Ambry Genetics
Classification: Uncertain significance for Inborn genetic diseases. Last evaluated: 2025-08-28. Review status: criteria provided, single submitter. Criteria: Ambry Variant Classification Scheme 2023. Collection method: clinical testing. Allele origin: germline.

Labcorp Genetics (formerly Invitae), Labcorp
Classification: Uncertain significance. Last evaluated: 2022-09-12. Review status: criteria provided, single submitter. Criteria: Invitae Variant Classification Sherloc (09022015). Collection method: clinical testing. Allele origin: germline.
Comment: This sequence change replaces methionine, which is neutral and non-polar, with valine, which is neutral and non-polar, at codon 110 of the TRMT5 protein (p.Met110Val). This variant is present in population databases (rs772996311, gnomAD 0.09%). This variant has not been reported in the literature in individuals affected with TRMT5-related conditions. Advanced modeling of protein sequence and biophysical properties (such as structural, functional, and spatial information, amino acid conservation, physicochemical variation, residue mobility, and thermodynamic stability) performed at Invitae indicates that this missense variant is not expected to disrupt TRMT5 protein function. Algorithms developed to predict the effect of sequence changes on RNA splicing suggest that this variant may create or strengthen a splice site. In summary, the available evidence is currently insufficient to determine the role of this variant in disease. Therefore, it has been classified as a Variant of Uncertain Significance.

NM_020810.3(TRMT5):c.328A>G (p.Met110Val)

Gene: TRMT5 (tRNA methyltransferase 5; minus strand). Cytogenetic location: 14q23.1.
Variant type: single nucleotide variant.
Coding change: c.328A>G on transcript NM_020810.3 (MANE Select); coding-DNA position 328, A replaced by G.
Protein change: p.Met110Val; replaces methionine 110 with valine.
Molecular consequence: missense variant.
Genome position (GRCh38, 1-based): chr14:60,979,570, T>C on the plus strand (A>G on the coding strand, the complement: TRMT5 is on the minus strand). VCF-style: chr14-60979570-T-C. GRCh37 (hg19) VCF-style: chr14-61446288-T-C.
Other names: c.412A>G, p.Met138Val (NM_001350253.1); c.409A>G, p.Met137Val (NM_001350254.1); c.328A>G (NM_020810.2); short protein forms M110V, M137V, M138V.
Identifiers: ClinVar variation 2200671 (VCV002200671.2), dbSNP rs772996311, ClinGen allele CA7213941.